The following is an entry in ClinVar:

ClinVar aggregate classification (germline): Uncertain significance. Review status: criteria provided, multiple submitters, no conflicts (2 of 4 stars). 2 submissions from 2 submitters: Uncertain significance (2). Last evaluated 2024-04-09.

Conditions:
Inborn genetic diseases. Identifiers: MedGen C0950123, MeSH D030342.

Allele frequency attached by ClinVar (database versions not stated): gnomAD exomes 0.00001 and 0.00002; TOPMed 0.00006; gnomAD 0.00012 and 0.00013.
gnomAD v4.1: 26 of 1,613,796 alleles (0.0016%); highest among the groups gnomAD compares: Admixed American, 0.04%; no homozygotes.

Submissions (2):

Ambry Genetics
Classification: Uncertain significance for Inborn genetic diseases. Last evaluated: 2024-04-09. Review status: criteria provided, single submitter. Criteria: Ambry Variant Classification Scheme 2023. Collection method: clinical testing. Allele origin: germline.

Labcorp Genetics (formerly Invitae), Labcorp
Classification: Uncertain significance. Last evaluated: 2024-03-11. Review status: criteria provided, single submitter. Criteria: Invitae Variant Classification Sherloc (09022015). Collection method: clinical testing. Allele origin: germline.
Comment: This sequence change replaces isoleucine, which is neutral and non-polar, with valine, which is neutral and non-polar, at codon 621 of the MTTP protein (p.Ile621Val). This variant is present in population databases (no rsID available, gnomAD 0.02%). This variant has not been reported in the literature in individuals affected with MTTP-related conditions. ClinVar contains an entry for this variant (Variation ID: 1405206). Advanced modeling of protein sequence and biophysical properties (such as structural, functional, and spatial information, amino acid conservation, physicochemical variation, residue mobility, and thermodynamic stability) performed at Invitae indicates that this missense variant is not expected to disrupt MTTP protein function with a negative predictive value of 80%. In summary, the available evidence is currently insufficient to determine the role of this variant in disease. Therefore, it has been classified as a Variant of Uncertain Significance.

NM_001386140.1(MTTP):c.1861A>G (p.Ile621Val)

Gene: MTTP (microsomal triglyceride transfer protein; plus strand). Cytogenetic location: 4q23.
Variant type: single nucleotide variant.
Coding change: c.1861A>G on transcript NM_001386140.1 (MANE Select); coding-DNA position 1861, A replaced by G.
Protein change: p.Ile621Val; replaces isoleucine 621 with valine.
Molecular consequence: missense variant.
Genome position (GRCh38, 1-based): chr4:99,611,234, A>G. VCF-style: chr4-99611234-A-G. GRCh37 (hg19) VCF-style: chr4-100532391-A-G.
Other names: c.1861A>G (NM_000253.2); c.1861A>G, p.Ile621Val (NM_000253.4); c.1612A>G, p.Ile538Val (NM_001300785.2); short protein forms I621V, I538V.
Identifiers: ClinVar variation 1405206 (VCV001405206.6), dbSNP rs1477309821, ClinGen allele CA357514791.